The following is an entry in ClinVar:

NM_004360.5(CDH1):c.2227C>T (p.Pro743Ser)

Gene: CDH1 (cadherin 1; plus strand). Cytogenetic location: 16q22.1.
Variant type: single nucleotide variant.
Coding change: c.2227C>T on transcript NM_004360.5 (MANE Select); coding-DNA position 2227, C replaced by T.
Protein change: p.Pro743Ser; replaces proline 743 with serine.
Molecular consequence: missense variant.
Genome position (GRCh38, 1-based): chr16:68,828,236, C>T. VCF-style: chr16-68828236-C-T. GRCh37 (hg19) VCF-style: chr16-68862139-C-T.
Other names: c.2227C>T (LRG_301t1); c.2044C>T, p.Pro682Ser (NM_001317184.2); c.679C>T, p.Pro227Ser (NM_001317185.2); c.262C>T, p.Pro88Ser (NM_001317186.2); short protein forms P743S, P227S, P682S, P88S.
Identifiers: ClinVar variation 186510 (VCV000186510.20), dbSNP rs786203005, ClinGen allele CA195051.
Genomic context (GRCh38, chr16:68,828,236, plus strand): 5'-CTGATTCTGCTGCTCTTGCTGTTTCTTCGGAGGAGAGCGGTGGTCAAAGAGCCCTTACTG[C>T]CCCCAGAGGATGACACCCGGGACAACGTTTATTACTATGATGAAGAAGGAGGCGGAGAAG-3'
Protein context (NP_004351.1, residues 733-753): RRAVVKEPLL[Pro743Ser]PEDDTRDNVY

ClinVar aggregate classification (germline): Uncertain significance. Review status: criteria provided, multiple submitters, no conflicts (2 of 4 stars). 5 submissions from 5 submitters: Uncertain significance (5). Last evaluated 2025-12-29.

Conditions:
Hereditary cancer-predisposing syndrome. Also called: Hereditary Cancer Syndrome; Neoplastic Syndromes, Hereditary; Tumor predisposition; Hereditary neoplastic syndrome. Identifiers: Orphanet 140162, MedGen C0027672, MeSH D009386, MONDO:0015356.
Hereditary diffuse gastric adenocarcinoma (HDGC). Also called: DIFFUSE GASTRIC AND LOBULAR BREAST CANCER SYNDROME. Identifiers: Orphanet 26106, MedGen C1708349, MONDO:0007648, OMIM 137215.
Familial cancer of breast. Also called: BREAST CANCER, FAMILIAL; Hereditary breast cancer; hereditary breast carcinoma. Identifiers: Orphanet 227535, MedGen C0346153, MONDO:0016419, OMIM 114480. Disease mechanism: loss of function.

Submissions (5):

Center for Genomic Medicine, Rigshospitalet, Copenhagen University Hospital
Classification: Uncertain significance. Last evaluated: 2025-12-29. Review status: criteria provided, single submitter. Criteria: ACMG Guidelines, 2015. Collection method: clinical testing. Allele origin: germline.

Labcorp Genetics (formerly Invitae), Labcorp
Classification: Uncertain significance for Hereditary diffuse gastric adenocarcinoma. Last evaluated: 2024-04-08. Review status: criteria provided, single submitter. Criteria: Invitae Variant Classification Sherloc (09022015). Collection method: clinical testing. Allele origin: germline.
Comment: This sequence change replaces proline, which is neutral and non-polar, with serine, which is neutral and polar, at codon 743 of the CDH1 protein (p.Pro743Ser). This variant is not present in population databases (gnomAD no frequency). This variant has not been reported in the literature in individuals affected with CDH1-related conditions. ClinVar contains an entry for this variant (Variation ID: 186510). An algorithm developed to predict the effect of missense changes on protein structure and function (PolyPhen-2) suggests that this variant is likely to be disruptive. In summary, the available evidence is currently insufficient to determine the role of this variant in disease. Therefore, it has been classified as a Variant of Uncertain Significance.

Baylor Genetics
Classification: Uncertain significance for Familial cancer of breast. Last evaluated: 2024-02-29. Review status: criteria provided, single submitter. Criteria: ACMG Guidelines, 2015. Collection method: clinical testing. Allele origin: unknown.

Ambry Genetics
Classification: Uncertain significance for Hereditary cancer-predisposing syndrome. Last evaluated: 2023-01-18. Review status: criteria provided, single submitter. Criteria: Ambry Variant Classification Scheme 2023. Collection method: clinical testing. Allele origin: germline.
Comment: The p.P743S variant (also known as c.2227C>T), located in coding exon 14 of the CDH1 gene, results from a C to T substitution at nucleotide position 2227. The proline at codon 743 is replaced by serine, an amino acid with similar properties. This alteration was identified in a cohort of 1040 patients with advanced cancer; however, specific clinical information on this individual was not provided (Mandelker D et al. JAMA, 2017 09;318:825-835). This amino acid position is well conserved in available vertebrate species. In addition, this alteration is predicted to be tolerated by in silico analysis. Since supporting evidence is limited at this time, the clinical significance of this alteration remains unclear.

Color Diagnostics, LLC DBA Color Health
Classification: Uncertain significance for Hereditary cancer-predisposing syndrome. Last evaluated: 2019-04-04. Review status: criteria provided, single submitter. Criteria: ACMG Guidelines, 2015. Collection method: clinical testing. Allele origin: germline.

Literature cited by the submitters: PubMed 28873162 (cited by Ambry Genetics).